The following is an entry in ClinVar:

ClinVar aggregate classification (germline): Uncertain significance. Review status: criteria provided, multiple submitters, no conflicts (2 of 4 stars). 2 submissions from 2 submitters: Uncertain significance (2). Last evaluated 2025-02-09.

Conditions:
Inborn genetic diseases. Identifiers: MedGen C0950123, MeSH D030342.
Developmental delay with variable neurologic and brain abnormalities (MLHNS). Also called: MALHOTRA NEURODEVELOPMENTAL SYNDROME. Identifiers: MedGen C5562060, MONDO:0859218, OMIM 619694.

Submissions (2):

Ambry Genetics
Classification: Uncertain significance for Inborn genetic diseases. Last evaluated: 2025-02-09. Review status: criteria provided, single submitter. Criteria: Ambry Variant Classification Scheme 2023. Collection method: clinical testing. Allele origin: germline.

Laboratorio de Genetica e Diagnostico Molecular, Hospital Israelita Albert Einstein
Classification: Uncertain significance for Developmental delay with variable neurologic and brain abnormalities. Last evaluated: 2024-04-16. Review status: criteria provided, single submitter. Criteria: ACMG Guidelines, 2015. Collection method: clinical testing. Allele origin: germline. Affected: yes.
Comment: ACMG classification criteria: PM2 supporting, BP4 supporting

NM_001007527.2(LMBRD2):c.1606T>A (p.Leu536Met)

Gene: LMBRD2 (LMBR1 domain containing 2; minus strand). Cytogenetic location: 5p13.2.
Variant type: single nucleotide variant.
Coding change: c.1606T>A on transcript NM_001007527.2 (MANE Select); coding-DNA position 1606, T replaced by A.
Protein change: p.Leu536Met; replaces leucine 536 with methionine.
Molecular consequence: missense variant.
Genome position (GRCh38, 1-based): chr5:36,114,458, A>T on the plus strand (T>A on the coding strand, the complement: LMBRD2 is on the minus strand). VCF-style: chr5-36114458-A-T. GRCh37 (hg19) VCF-style: chr5-36114560-A-T.
Other names: short protein forms L536M.
Identifiers: ClinVar variation 3867454 (VCV003867454.2).